The following is an entry in ClinVar:

NM_139076.3(ABRAXAS1):c.959T>C (p.Val320Ala)

Gene: ABRAXAS1 (abraxas 1, BRCA1 A complex subunit; minus strand). Cytogenetic location: 4q21.23.
Variant type: single nucleotide variant.
Coding change: c.959T>C on transcript NM_139076.3 (MANE Select); coding-DNA position 959, T replaced by C.
Protein change: p.Val320Ala; replaces valine 320 with alanine.
Molecular consequence: missense variant.
Genome position (GRCh38, 1-based): chr4:83,462,740, A>G on the plus strand (T>C on the coding strand, the complement: ABRAXAS1 is on the minus strand). VCF-style: chr4-83462740-A-G. GRCh37 (hg19) VCF-style: chr4-84383893-A-G.
Other names: c.632T>C, p.Val211Ala (NM_001345962.2); short protein forms V211A, V320A.
Identifiers: ClinVar variation 1799667 (VCV001799667.5), dbSNP rs781160014, ClinGen allele CA2990399.

ClinVar aggregate classification (germline): Conflicting classifications of pathogenicity. Review status: criteria provided, conflicting classifications (1 of 4 stars). 2 submissions from 2 submitters: Uncertain significance (1); Likely benign (1). Last evaluated 2024-03-25.

Allele frequency attached by ClinVar (database versions not stated): ExAC 0.00001; gnomAD 0.00001; TOPMed 0.00001.
gnomAD v4.1: 14 of 1,613,810 alleles (0.00087%); highest among the groups gnomAD compares: Admixed American, 0.013%; no homozygotes.

Submissions (2):

Ambry Genetics
Classification: Likely benign. Last evaluated: 2024-03-25. Review status: criteria provided, single submitter. Criteria: Ambry Variant Classification Scheme 2023. Collection method: clinical testing. Allele origin: germline.

Labcorp Genetics (formerly Invitae), Labcorp
Classification: Uncertain significance. Last evaluated: 2023-12-11. Review status: criteria provided, single submitter. Criteria: Invitae Variant Classification Sherloc (09022015). Collection method: clinical testing. Allele origin: germline.
Comment: This sequence change replaces valine, which is neutral and non-polar, with alanine, which is neutral and non-polar, at codon 320 of the ABRAXAS1 protein (p.Val320Ala). This variant is present in population databases (rs781160014, gnomAD 0.01%). This variant has not been reported in the literature in individuals affected with ABRAXAS1-related conditions. ClinVar contains an entry for this variant (Variation ID: 1799667). Advanced modeling of protein sequence and biophysical properties (such as structural, functional, and spatial information, amino acid conservation, physicochemical variation, residue mobility, and thermodynamic stability) performed at Invitae indicates that this missense variant is not expected to disrupt ABRAXAS1 protein function with a negative predictive value of 80%. In summary, the available evidence is currently insufficient to determine the role of this variant in disease. Therefore, it has been classified as a Variant of Uncertain Significance.